The following is an entry in ClinVar:

NM_001035.3(RYR2):c.3968C>G (p.Pro1323Arg)

Genes: RYR2 (ryanodine receptor 2; plus strand), LOC126806067 (BRD4-independent group 4 enhancer GRCh37_chr1:237753258-237754457; plus strand). Cytogenetic location: 1q43.
Variant type: single nucleotide variant.
Coding change: c.3968C>G on transcript NM_001035.3 (MANE Select); coding-DNA position 3968, C replaced by G.
Protein change: p.Pro1323Arg; replaces proline 1323 with arginine.
Molecular consequence: missense variant.
Genome position (GRCh38, 1-based): chr1:237,590,800, C>G. VCF-style: chr1-237590800-C-G. GRCh37 (hg19) VCF-style: chr1-237754100-C-G.
Other names: short protein forms P1323R.
Identifiers: ClinVar variation 2774288 (VCV002774288.2), dbSNP rs2546615170, ClinGen allele CA345397459.

ClinVar aggregate classification (germline): Uncertain significance (1 of 4 stars; one submission).

Conditions:
Cardiomyopathy (CMYO). Also called: Cardiomyopathies. Identifiers: Orphanet 167848, MedGen C0878544, MONDO:0004994, HP:0001638. Inheritance: Various modes of inheritance.

Submission:

Color Diagnostics, LLC DBA Color Health
Classification: Uncertain significance for Cardiomyopathy. Last evaluated: 2024-03-06. Review status: criteria provided, single submitter. Criteria: ACMG Guidelines, 2015. Collection method: clinical testing. Allele origin: germline.
Comment: This missense variant replaces proline with arginine at codon 1323 of the RYR2 protein. Computational prediction is inconclusive regarding the impact of this variant on protein structure and function (internally defined REVEL score threshold 0.5 < inconclusive < 0.7, PMID: 27666373). To our knowledge, functional studies have not been reported for this variant. This variant has not been reported in individuals affected with cardiovascular disorders in the literature. This variant has not been identified in the general population by the Genome Aggregation Database (gnomAD). The available evidence is insufficient to determine the role of this variant in disease conclusively. Therefore, this variant is classified as a Variant of Uncertain Significance.